The following is an entry in ClinVar:

ClinVar aggregate classification (germline): Uncertain significance (1 of 4 stars; one submission).

gnomAD v4.1: 67 of 1,614,070 alleles (0.0042%); highest among the groups gnomAD compares: African/African-American, 0.06%; no homozygotes.

Submission:

Mayo Clinic Laboratories, Mayo Clinic
Classification: Uncertain significance. Last evaluated: 2025-08-13. Review status: criteria provided, single submitter. Criteria: ACMG Guidelines, 2015. Collection method: clinical testing. Allele origin: germline. Observed: 1 variant allele.
Comment: PP3_moderate, PM2_supporting

NM_005689.4(ABCB6):c.2333C>T (p.Thr778Ile)

Gene: ABCB6 (ATP binding cassette subfamily B member 6 (LAN blood group); minus strand). Cytogenetic location: 2q35.
Variant type: single nucleotide variant.
Coding change: c.2333C>T on transcript NM_005689.4 (MANE Select); coding-DNA position 2333, C replaced by T.
Protein change: p.Thr778Ile; replaces threonine 778 with isoleucine.
Molecular consequence: missense variant.
Genome position (GRCh38, 1-based): chr2:219,210,399, G>A on the plus strand (C>T on the coding strand, the complement: ABCB6 is on the minus strand). VCF-style: chr2-219210399-G-A. GRCh37 (hg19) VCF-style: chr2-220075121-G-A.
Other names: p.Thr778Ile; c.2195C>T, p.Thr732Ile (NM_001349828.2); short protein forms T732I, T778I.
Identifiers: ClinVar variation 4540804 (VCV004540804.1).
Genomic context (GRCh38, chr2:219,210,399, plus strand): 5'-GCGGGCCACATCACCAGCCGCCCCAGGCCTGTAGTCCTGTACCTGTGTGCCACTACGATG[G>A]TGGTGCGGTTGGCACAGACTTTGGCCAGAGAAGCCTGGATGGCCCTCTCATTAGATGTAT-3'
Protein context (NP_005680.1, residues 768-788): SLAKVCANRT[Thr778Ile]IVVAHRLSTV